The following is an entry in ClinVar:

ClinVar aggregate classification (germline): Uncertain significance. Review status: criteria provided, multiple submitters, no conflicts (2 of 4 stars). 3 submissions from 3 submitters: Uncertain significance (3). Last evaluated 2024-05-29.

Conditions:
Hereditary cancer-predisposing syndrome. Also called: Tumor predisposition; Hereditary neoplastic syndrome; Neoplastic Syndromes, Hereditary; Hereditary Cancer Syndrome. Identifiers: Orphanet 140162, MedGen C0027672, MeSH D009386, MONDO:0015356.
Fanconi anemia (FA). Also called: Fanconi's anemia. Identifiers: Orphanet 84, MedGen C0015625, MeSH D005199, MONDO:0019391.
Fanconi anemia complementation group C (FANCC). Also called: FANCONI PANCYTOPENIA, TYPE 3; FACC; FANCC-Related Fanconi Anemia; Fanconi anemia, group C. Identifiers: Orphanet 84, MedGen C3468041, MONDO:0009213, OMIM 227645.

gnomAD v4.1: 2 of 1,606,492 alleles (0.00012%); highest among the groups gnomAD compares: East Asian, 0.0022%; no homozygotes.

Submissions (3):

Ambry Genetics
Classification: Uncertain significance for Hereditary cancer-predisposing syndrome. Last evaluated: 2024-05-29. Review status: criteria provided, single submitter. Criteria: Ambry Variant Classification Scheme 2023. Collection method: clinical testing. Allele origin: germline.
Comment: The p.P147A variant (also known as c.439C>G), located in coding exon 4 of the FANCC gene, results from a C to G substitution at nucleotide position 439. The proline at codon 147 is replaced by alanine, an amino acid with highly similar properties. This amino acid position is conserved. In addition, this alteration is predicted to be tolerated by in silico analysis. Based on the available evidence, the clinical significance of this variant remains unclear.

Fulgent Genetics
Classification: Uncertain significance for Fanconi anemia complementation group C. Last evaluated: 2024-04-23. Review status: criteria provided, single submitter. Criteria: ACMG Guidelines, 2015. Collection method: clinical testing. Allele origin: germline.

Labcorp Genetics (formerly Invitae), Labcorp
Classification: Uncertain significance for Fanconi anemia. Last evaluated: 2022-07-13. Review status: criteria provided, single submitter. Criteria: Invitae Variant Classification Sherloc (09022015). Collection method: clinical testing. Allele origin: germline.
Comment: Algorithms developed to predict the effect of missense changes on protein structure and function are either unavailable or do not agree on the potential impact of this missense change (SIFT: "Tolerated"; PolyPhen-2: "Probably Damaging"; Align-GVGD: "Class C0"). In summary, the available evidence is currently insufficient to determine the role of this variant in disease. Therefore, it has been classified as a Variant of Uncertain Significance. This variant has not been reported in the literature in individuals affected with FANCC-related conditions. This variant is present in population databases (no rsID available, gnomAD 0.006%). This sequence change replaces proline, which is neutral and non-polar, with alanine, which is neutral and non-polar, at codon 147 of the FANCC protein (p.Pro147Ala).

NM_000136.3(FANCC):c.439C>G (p.Pro147Ala)

Gene: FANCC (FA complementation group C; minus strand). Cytogenetic location: 9q22.32.
Variant type: single nucleotide variant.
Coding change: c.439C>G on transcript NM_000136.3 (MANE Select); coding-DNA position 439, C replaced by G.
Protein change: p.Pro147Ala; replaces proline 147 with alanine.
Molecular consequence: missense variant.
Genome position (GRCh38, 1-based): chr9:95,172,054, G>C on the plus strand (C>G on the coding strand, the complement: FANCC is on the minus strand). VCF-style: chr9-95172054-G-C. GRCh37 (hg19) VCF-style: chr9-97934336-G-C.
Other names: c.439C>G, p.Pro147Ala (NM_001243743.2, NM_001243744.2); short protein forms P147A.
Identifiers: ClinVar variation 2062030 (VCV002062030.6), dbSNP rs1564720334, ClinGen allele CA374338727.